The following is an entry in ClinVar:

NM_021076.4(NEFH):c.334A>C (p.Ile112Leu)

Gene: NEFH (neurofilament heavy chain; plus strand). Cytogenetic location: 22q12.2.
Variant type: single nucleotide variant.
Coding change: c.334A>C on transcript NM_021076.4 (MANE Select); coding-DNA position 334, A replaced by C.
Protein change: p.Ile112Leu; replaces isoleucine 112 with leucine.
Molecular consequence: missense variant.
Genome position (GRCh38, 1-based): chr22:29,480,596, A>C. VCF-style: chr22-29480596-A-C. GRCh37 (hg19) VCF-style: chr22-29876585-A-C.
Other names: short protein forms I112L.
Identifiers: ClinVar variation 2800846 (VCV002800846.3), dbSNP rs1374103304, ClinGen allele CA411122642.

ClinVar aggregate classification (germline): Uncertain significance (1 of 4 stars; one submission).

Allele frequency attached by ClinVar (database versions not stated): TOPMed below 0.00001.
gnomAD v4.1: 1 of 1,562,368 alleles (0.000064%); highest among the groups gnomAD compares: Admixed American, 0.0019%; no homozygotes.

Submission:

Labcorp Genetics (formerly Invitae), Labcorp
Classification: Uncertain significance. Last evaluated: 2023-05-23. Review status: criteria provided, single submitter. Criteria: Invitae Variant Classification Sherloc (09022015). Collection method: clinical testing. Allele origin: germline.
Comment: In summary, the available evidence is currently insufficient to determine the role of this variant in disease. Therefore, it has been classified as a Variant of Uncertain Significance. Experimental studies and prediction algorithms are not available or were not evaluated, and the functional significance of this variant is currently unknown. This variant has not been reported in the literature in individuals affected with NEFH-related conditions. This variant is present in population databases (no rsID available, gnomAD 0.004%). This sequence change replaces isoleucine, which is neutral and non-polar, with leucine, which is neutral and non-polar, at codon 112 of the NEFH protein (p.Ile112Leu).